The following is an entry in ClinVar:

ClinVar aggregate classification (germline): Pathogenic (1 of 4 stars; one submission).

Submission:

Labcorp Genetics (formerly Invitae), Labcorp
Classification: Pathogenic. Last evaluated: 2026-01-01. Review status: criteria provided, single submitter. Criteria: Invitae Variant Classification Sherloc (09022015). Collection method: clinical testing. Allele origin: germline.
Comment: This sequence change creates a premature translational stop signal (p.Cys2458*) in the ATR gene. It is expected to result in an absent or disrupted protein product. Loss-of-function variants in ATR are known to be pathogenic (PMID: 21228398, 23144622). This variant is not present in population databases (gnomAD no frequency). This variant has not been reported in the literature in individuals affected with ATR-related conditions. For these reasons, this variant has been classified as Pathogenic.

Literature cited by the submitters: PubMed 21228398; PubMed 23144622.

NM_001184.4(ATR):c.7374C>A (p.Cys2458Ter)

Gene: ATR (ATR checkpoint kinase; minus strand). Cytogenetic location: 3q23.
Variant type: single nucleotide variant.
Coding change: c.7374C>A on transcript NM_001184.4 (MANE Select); coding-DNA position 7374, C replaced by A.
Protein change: p.Cys2458Ter; replaces cysteine 2458 with a stop codon.
Molecular consequence: nonsense.
Genome position (GRCh38, 1-based): chr3:142,459,087, G>T on the plus strand (C>A on the coding strand, the complement: ATR is on the minus strand). VCF-style: chr3-142459087-G-T. GRCh37 (hg19) VCF-style: chr3-142177929-G-T.
Other names: c.7182C>A, p.Cys2394Ter (NM_001354579.2); short protein forms C2394*, C2458*.
Identifiers: ClinVar variation 4742645 (VCV004742645.1).